The following is an entry in ClinVar:

NM_030777.4(SLC2A10):c.810G>C (p.Val270=)

Gene: SLC2A10 (solute carrier family 2 member 10; plus strand). Cytogenetic location: 20q13.12.
Variant type: single nucleotide variant.
Coding change: c.810G>C on transcript NM_030777.4 (MANE Select); coding-DNA position 810, G replaced by C.
Protein change: p.Val270=; no amino-acid change (valine 270 retained).
Molecular consequence: synonymous variant.
Genome position (GRCh38, 1-based): chr20:46,725,846, G>C. VCF-style: chr20-46725846-G-C. GRCh37 (hg19) VCF-style: chr20-45354485-G-C.
Identifiers: ClinVar variation 338593 (VCV000338593.16), dbSNP rs774452914, ClinGen allele CA9892050.
Genomic context (GRCh38, chr20:46,725,846, plus strand): 5'-GCTGTGCTATGCCTCCACCATCTTCAGCTCCGTTGGTTTCCATGGGGGATCCTCAGCCGT[G>C]CTGGCCTCTGTGGGGCTTGGCGCAGTGAAGGTGGCAGCTACCCTGACCGCCATGGGGCTG-3'
Protein context (NP_110404.1, residues 260-280): SVGFHGGSSA[Val270=]LASVGLGAVK

ClinVar aggregate classification (germline): Conflicting classifications of pathogenicity. Review status: criteria provided, conflicting classifications (1 of 4 stars). 4 submissions from 4 submitters: Uncertain significance (1); Likely benign (3). Last evaluated 2025-07-29.

Conditions:
Familial thoracic aortic aneurysm and aortic dissection (TAAD). Also called: Thoracic aortic aneurysms and dissections. Identifiers: Orphanet 91387, MedGen C4707243, MONDO:0019625.
Arterial tortuosity syndrome (ATORS). Identifiers: Orphanet 3342, MedGen C1859726, MONDO:0008818, OMIM 208050.

Allele frequency attached by ClinVar (database versions not stated): gnomAD 0.00001; gnomAD exomes 0.00001; TOPMed 0.00001; ExAC 0.00002.
gnomAD v4.1: 5 of 1,614,110 alleles (0.00031%); highest among the groups gnomAD compares: Non-Finnish European, 0.00042%; no homozygotes.

Submissions (4):

Labcorp Genetics (formerly Invitae), Labcorp
Classification: Likely benign for Arterial tortuosity syndrome. Last evaluated: 2025-07-29. Review status: criteria provided, single submitter. Criteria: Invitae Variant Classification Sherloc (09022015). Collection method: clinical testing. Allele origin: germline.

Ambry Genetics
Classification: Likely benign for Familial thoracic aortic aneurysm and aortic dissection. Last evaluated: 2024-08-31. Review status: criteria provided, single submitter. Criteria: Ambry Variant Classification Scheme 2023. Collection method: clinical testing. Allele origin: germline.

Illumina Laboratory Services, Illumina
Classification: Uncertain significance for Arterial tortuosity syndrome. Last evaluated: 2018-01-12. Review status: criteria provided, single submitter. Criteria: ICSL Variant Classification Criteria 13 December 2019. Collection method: clinical testing. Allele origin: germline.

GeneDx
Classification: Likely benign. Last evaluated: 2017-05-15. Review status: criteria provided, single submitter. Criteria: GeneDx Variant Classification (06012015). Collection method: clinical testing. Allele origin: germline. Affected: yes.
Comment: This variant is considered likely benign or benign based on one or more of the following criteria: it is a conservative change, it occurs at a poorly conserved position in the protein, it is predicted to be benign by multiple in silico algorithms, and/or has population frequency not consistent with disease.